The following is an entry in ClinVar:

ClinVar aggregate classification (germline): Pathogenic (1 of 4 stars; one submission).

Conditions:
Infantile neuroaxonal dystrophy (NBIA2A). Also called: SEITELBERGER DISEASE; NEURODEGENERATION WITH BRAIN IRON ACCUMULATION 2A; Infantile neuroaxonal dystrophy 1. Identifiers: Orphanet 35069, MedGen C0270724, MONDO:0024457, OMIM 256600.

Submission:

Labcorp Genetics (formerly Invitae), Labcorp
Classification: Pathogenic for Infantile neuroaxonal dystrophy. Last evaluated: 2018-10-10. Review status: criteria provided, single submitter. Criteria: Invitae Variant Classification Sherloc (09022015). Collection method: clinical testing. Allele origin: germline.
Comment: This variant is a gross deletion of the genomic region encompassing exon 2 of the PLA2G6 gene, which includes the initiator codon. The 5' end of this event is unknown as it extends beyond the assayed region for this gene and therefore may encompass additional genes. The 3' boundary is likely confined to intron 2 of the PLA2G6 gene. This is expected to result in an absent or disrupted protein product. This variant has not been reported in the literature in individuals with PLA2G6-related disease. Loss-of-function variants in PLA2G6 are known to be pathogenic (PMID: 16783378, 18570303, 18799783, 22213678). For these reasons, this variant has been classified as Pathogenic.

NC_000022.11:g.(?_38169198)_(38169446_?)del

Gene: PLA2G6 (phospholipase A2 group VI; minus strand). Cytogenetic location: 22q13.1.
Variant type: Deletion.
Identifiers: ClinVar variation 583663 (VCV000583663.2).